The following is an entry in ClinVar:

ClinVar aggregate classification (germline): Pathogenic (1 of 4 stars; one submission).

Submission:

Quest Diagnostics Nichols Institute San Juan Capistrano
Classification: Pathogenic. Last evaluated: 2024-05-06. Review status: criteria provided, single submitter. Criteria: Quest Diagnostics criteria. Collection method: clinical testing. Allele origin: unknown.
Comment: A deletion of exon 1-11 (c.-106_1119) in the TSC2 gene is predicted to disrupt the translation reading frame of the TSC2 mRNA and result in the premature termination of TSC2 protein synthesis. In the published literature, a similar deletion of exon 1-11 in the TSC2 gene has been reported in an individual with tuberous sclerosis complex (PMID: 28623545 (2017)). This variant has not been reported in large, multi-ethnic general populations (Genome Aggregation Database). Based on the available information, this variant is classified as pathogenic.

Literature cited by the submitters: PubMed 28623545.

Single allele

Gene: TSC2 (TSC complex subunit 2; plus strand). Cytogenetic location: 16p13.3.
Variant type: Deletion.
Identifiers: ClinVar variation 3572146 (VCV003572146.1).